The following is an entry in ClinVar:

ClinVar aggregate classification (germline): Uncertain significance (1 of 4 stars; one submission).

gnomAD v4.1: 6 of 1,530,272 alleles (0.00039%); highest among the groups gnomAD compares: Non-Finnish European, 0.00053%; no homozygotes.

Submission:

GeneDx
Classification: Uncertain significance. Last evaluated: 2026-03-31. Review status: criteria provided, single submitter. Criteria: GeneDx Variant Classification Process June 2021. Collection method: clinical testing. Allele origin: germline.
Comment: Not observed at significant frequency in large population cohorts (gnomAD); In silico analysis suggests that this missense variant does not alter protein structure/function; Has not been previously published as pathogenic or benign to our knowledge

NM_020971.3(SPTBN4):c.6446G>C (p.Arg2149Pro)

Gene: SPTBN4 (spectrin beta, non-erythrocytic 4; plus strand). Cytogenetic location: 19q13.2.
Variant type: single nucleotide variant.
Coding change: c.6446G>C on transcript NM_020971.3 (MANE Select); coding-DNA position 6446, G replaced by C.
Protein change: p.Arg2149Pro; replaces arginine 2149 with proline.
Molecular consequence: missense variant.
Genome position (GRCh38, 1-based): chr19:40,567,772, G>C. VCF-style: chr19-40567772-G-C. GRCh37 (hg19) VCF-style: chr19-41073678-G-C.
Other names: short protein forms R2149P.
Identifiers: ClinVar variation 5017888 (VCV005017888.1).